The following is an entry in ClinVar:

ClinVar aggregate classification (germline): Benign (1 of 4 stars; one submission).

Conditions:
SEPTIN6-related disorder. Also called: SEPTIN6-related condition.

gnomAD v4.1: 855 of 1,195,749 alleles (0.072%); highest among the groups gnomAD compares: African/African-American, 1.4%; 7 homozygotes.

Submission:

PreventionGenetics, part of Exact Sciences
Classification: Benign for SEPTIN6-related condition. Last evaluated: 2025-10-20. Review status: criteria provided, single submitter. Criteria: ACMG Guidelines, 2015. Collection method: clinical testing. Allele origin: germline.
Comment: This variant is classified as benign based on ACMG/AMP sequence variant interpretation guidelines (Richards et al. 2015 PMID: 25741868, with internal and published modifications).

NM_145799.4(SEPTIN6):c.342-7C>T

Gene: SEPTIN6 (septin 6; minus strand). Cytogenetic location: Xq24.
Variant type: single nucleotide variant.
Coding change: c.342-7C>T on transcript NM_145799.4 (MANE Select); 7 bases into the intron before coding-DNA position 342, C replaced by T.
Molecular consequence: intron variant.
Genome position (GRCh38, 1-based): chrX:119,653,047, G>A on the plus strand (C>T on the coding strand, the complement: SEPTIN6 is on the minus strand). VCF-style: chrX-119653047-G-A. GRCh37 (hg19) VCF-style: chrX-118787010-G-A.
Other names: c.342-7C>T (NM_145802.4, NM_145800.4, NM_015129.6 and 1 more transcripts).
Identifiers: ClinVar variation 4977225 (VCV004977225.1).